The following is an entry in ClinVar:

NM_024422.6(DSC2):c.1559T>C (p.Ile520Thr)

Gene: DSC2 (desmocollin 2; minus strand). Cytogenetic location: 18q12.1.
Variant type: single nucleotide variant.
Coding change: c.1559T>C on transcript NM_024422.6 (MANE Select); coding-DNA position 1559, T replaced by C.
Protein change: p.Ile520Thr; replaces isoleucine 520 with threonine.
Molecular consequence: missense variant.
Genome position (GRCh38, 1-based): chr18:31,079,951, A>G on the plus strand (T>C on the coding strand, the complement: DSC2 is on the minus strand). VCF-style: chr18-31079951-A-G. GRCh37 (hg19) VCF-style: chr18-28659917-A-G.
Other names: c.1559T>C, p.Ile520Thr (NM_004949.5); short protein forms I520T.
Identifiers: ClinVar variation 155783 (VCV000155783.30), dbSNP rs561310777, ClinGen allele CA022508.

ClinVar aggregate classification (germline): Conflicting classifications of pathogenicity. Review status: criteria provided, conflicting classifications (1 of 4 stars). 10 submissions from 10 submitters: Uncertain significance (2); Benign (1); Likely benign (5). 2 of the submissions do not count toward it. Last evaluated 2026-03-03.

Conditions:
Cardiovascular phenotype. Identifiers: MedGen CN230736.
Cardiomyopathy (CMYO). Also called: Cardiomyopathies. Identifiers: Orphanet 167848, MedGen C0878544, MONDO:0004994, HP:0001638. Inheritance: Various modes of inheritance.
Arrhythmogenic right ventricular dysplasia 11. Also called: Arrhythmogenic Right Ventricular Dysplasia/Cardiomyopathy11; Arrhythmogenic right ventricular dysplasia 11 with mild palmoplantar keratoderma and woolly hair; ARRHYTHMOGENIC RIGHT VENTRICULAR DYSPLASIA, FAMILIAL, 11. Identifiers: MedGen C1864850, MONDO:0012506, OMIM 610476.

Allele frequency attached by ClinVar (database versions not stated): TOPMed 0.00009; gnomAD exomes 0.00014 and 0.00023; 1000 Genomes Project 0.00020; ExAC 0.00022; gnomAD 0.00027 and 0.00029; 1000 Genomes Project 30x 0.00031.
gnomAD v4.1: 251 of 1,614,016 alleles (0.016%); highest among the groups gnomAD compares: East Asian, 0.027%; no homozygotes.

Submissions (10):

Women's Health and Genetics/Laboratory Corporation of America, LabCorp
Classification: Likely benign. Last evaluated: 2026-03-03. Review status: criteria provided, single submitter. Criteria: LabCorp Variant Classification Summary - May 2015. Collection method: clinical testing. Allele origin: germline.
Comment: Variant summary: DSC2 c.1559T>C (p.Ile520Thr) results in a non-conservative amino acid change in the encoded protein sequence. Algorithms developed to predict the effect of missense changes on protein structure and function are either unavailable or do not agree on the potential impact of this missense change. The variant allele was found at a frequency of 0.00023 in 251114 control chromosomes, predominantly at a frequency of 0.0015 within the East Asian subpopulation in the gnomAD database. The observed variant frequency within East Asian control individuals in the gnomAD database exceeds the estimated maximal expected allele frequency for disease-causing variants in DSC2. c.1559T>C has been observed in individual(s) affected with Arrhythmogenic Right Ventricular Dysplasia/Cardiomyopathy (Lin_2021). These report(s) do not provide unequivocal conclusions about association of the variant with Arrhythmogenic Right Ventricular Dysplasia/Cardiomyopathy. To our knowledge, no experimental evidence demonstrating an impact on protein function has been reported. The following publication has been ascertained in the context of this evaluation (PMID: 34819141). ClinVar contains an entry for this variant (Variation ID: 155783). Based on the evidence outlined above, the variant was classified as likely benign.

GeneDx
Classification: Uncertain significance. Last evaluated: 2026-01-22. Review status: criteria provided, single submitter. Criteria: GeneDx Variant Classification Process June 2021. Collection method: clinical testing. Allele origin: germline. Affected: yes.
Comment: Identified in a patient with a cardiomyopathy with features of both HCM and LVNC who also harbored a frameshift variant in the DSC2 gene; this patient's unaffected brother harbored only the DSC2 frameshift variant suggesting these variants are in trans (PMID: 34819141); In silico analysis supports that this missense variant has a deleterious effect on protein structure/function; This variant is associated with the following publications: (PMID: 34819141)

Labcorp Genetics (formerly Invitae), Labcorp
Classification: Likely benign for Arrhythmogenic right ventricular dysplasia 11. Last evaluated: 2025-11-20. Review status: criteria provided, single submitter. Criteria: Invitae Variant Classification Sherloc (09022015). Collection method: clinical testing. Allele origin: germline.

Blueprint Genetics
Classification: Likely benign. Last evaluated: 2024-11-06. Review status: criteria provided, single submitter. Criteria: ACMG Guidelines, 2015. Collection method: clinical testing. Allele origin: germline.

Ambry Genetics
Classification: Likely benign for Cardiovascular phenotype. Last evaluated: 2019-12-26. Review status: criteria provided, single submitter. Criteria: Ambry Variant Classification Scheme 2023. Collection method: clinical testing. Allele origin: germline.

Color Diagnostics, LLC DBA Color Health
Classification: Likely benign for Cardiomyopathy. Last evaluated: 2018-11-16. Review status: criteria provided, single submitter. Criteria: ACMG Guidelines, 2015. Collection method: clinical testing. Allele origin: germline.

Illumina Laboratory Services, Illumina
Classification: Uncertain significance for Arrhythmogenic right ventricular dysplasia 11. Last evaluated: 2018-01-13. Review status: criteria provided, single submitter. Criteria: ICSL Variant Classification Criteria 13 December 2019. Collection method: clinical testing. Allele origin: germline.

CHEO Genetics Diagnostic Laboratory, Children's Hospital of Eastern Ontario
Classification: Benign for Cardiomyopathy. Last evaluated: 2017-10-19. Review status: criteria provided, single submitter. Criteria: ACMG Guidelines, 2015. Collection method: clinical testing. Allele origin: germline. Study: Canadian Open Genetics Repository.

Genome Diagnostics Laboratory, University Medical Center Utrecht
Classification: Likely benign. Review status: no assertion criteria provided. Collection method: clinical testing. Allele origin: germline. Affected: yes. Study: VKGL Data-share Consensus. Not counted in ClinVar's aggregate classification.

Joint Genome Diagnostic Labs from Nijmegen and Maastricht, Radboudumc and MUMC+
Classification: Likely benign. Review status: no assertion criteria provided. Collection method: clinical testing. Allele origin: germline. Affected: yes. Study: VKGL Data-share Consensus. Not counted in ClinVar's aggregate classification.

Literature cited by the submitters: PubMed 34819141 (cited by Women's Health and Genetics/Laboratory Corporation of America, LabCorp).